The following is an entry in ClinVar:

NM_020458.4(TTC7A):c.878A>G (p.His293Arg)

Gene: TTC7A (tetratricopeptide repeat domain 7A; plus strand). Cytogenetic location: 2p21.
Variant type: single nucleotide variant.
Coding change: c.878A>G on transcript NM_020458.4 (MANE Select); coding-DNA position 878, A replaced by G.
Protein change: p.His293Arg; replaces histidine 293 with arginine.
Molecular consequence: missense variant. On other transcripts: intron variant (1).
Genome position (GRCh38, 1-based): chr2:46,994,391, A>G. VCF-style: chr2-46994391-A-G. GRCh37 (hg19) VCF-style: chr2-47221530-A-G.
Other names: c.878A>G, p.His293Arg (NM_001288951.2); c.776A>G, p.His259Arg (NM_001288953.2); c.-61-745A>G (NM_001288955.2); short protein forms H259R, H293R.
Identifiers: ClinVar variation 1000816 (VCV001000816.5), dbSNP rs150578101, ClinGen allele CA1647401.

ClinVar aggregate classification (germline): Uncertain significance (1 of 4 stars; one submission).

Conditions:
Multiple gastrointestinal atresias. Also called: Multiple intestinal atresia; FAMILIAL INTESTINAL POLYATRESIA SYNDROME. Identifiers: Orphanet 2300, MedGen C0220744, MONDO:0009465.

Allele frequency attached by ClinVar (database versions not stated): TOPMed 0.00005.
gnomAD v4.1: 53 of 1,613,350 alleles (0.0033%); highest among the groups gnomAD compares: Middle Eastern, 0.016%; no homozygotes.

Submission:

Labcorp Genetics (formerly Invitae), Labcorp
Classification: Uncertain significance for Multiple gastrointestinal atresias. Last evaluated: 2021-11-19. Review status: criteria provided, single submitter. Criteria: Invitae Variant Classification Sherloc (09022015). Collection method: clinical testing. Allele origin: germline.
Comment: In summary, the available evidence is currently insufficient to determine the role of this variant in disease. Therefore, it has been classified as a Variant of Uncertain Significance. Algorithms developed to predict the effect of missense changes on protein structure and function (SIFT, PolyPhen-2, Align-GVGD) all suggest that this variant is likely to be tolerated. ClinVar contains an entry for this variant (Variation ID: 1000816). This variant has not been reported in the literature in individuals affected with TTC7A-related conditions. This variant is present in population databases (rs150578101, gnomAD 0.005%). This sequence change replaces histidine, which is basic and polar, with arginine, which is basic and polar, at codon 293 of the TTC7A protein (p.His293Arg).